The following is an entry in ClinVar:

NM_001378609.3(OTOGL):c.1335C>T (p.Cys445=)

Gene: OTOGL (otogelin like; plus strand). Cytogenetic location: 12q21.31.
Variant type: single nucleotide variant.
Coding change: c.1335C>T on transcript NM_001378609.3 (MANE Select); coding-DNA position 1335, C replaced by T.
Protein change: p.Cys445=; no amino-acid change (cysteine 445 retained).
Molecular consequence: synonymous variant.
Genome position (GRCh38, 1-based): chr12:80,253,515, C>T. VCF-style: chr12-80253515-C-T. GRCh37 (hg19) VCF-style: chr12-80647295-C-T.
Other names: c.1308C>T (NM_173591.3); c.1335C>T, p.Cys445= (NM_001368062.3, NM_001378610.3, NM_173591.7).
Identifiers: ClinVar variation 2765622 (VCV002765622.5), dbSNP rs776984171, ClinGen allele CA6700424.
Genomic context (GRCh38, chr12:80,253,515, plus strand): 5'-TTCTCAATTAGGCCTCGTAATGGACAATGGGACTTGCATCTCCTTGGAAAATTGCCCATG[C>T]GGTTTTCATGGATTAGCTTATTCAGTTGGTTCAAAAATTGAACAAGAATGTACTGAATGG-3'
Protein context (NP_001365538.2, residues 435-455): GTCISLENCP[Cys445=]GFHGLAYSVG

ClinVar aggregate classification (germline): Likely benign. Review status: criteria provided, single submitter (1 of 4 stars). 2 submissions from 2 submitters: Likely benign (1). 1 of the submissions does not count toward it. Last evaluated 2025-01-06.

Conditions:
OTOGL-related disorder. Also called: OTOGL-related condition.

Allele frequency attached by ClinVar (database versions not stated): gnomAD 0.00001; ExAC 0.00002; TOPMed 0.00002.
gnomAD v4.1: 32 of 1,613,122 alleles (0.002%); highest among the groups gnomAD compares: East Asian, 0.0067%; no homozygotes.

Submissions (2):

Labcorp Genetics (formerly Invitae), Labcorp
Classification: Likely benign. Last evaluated: 2025-01-06. Review status: criteria provided, single submitter. Criteria: Invitae Variant Classification Sherloc (09022015). Collection method: clinical testing. Allele origin: germline.

PreventionGenetics, part of Exact Sciences
Classification: Likely benign for OTOGL-related condition. Last evaluated: 2024-04-04. Review status: no assertion criteria provided. Collection method: clinical testing. Allele origin: germline. Not counted in ClinVar's aggregate classification.
Comment: This variant is classified as likely benign based on ACMG/AMP sequence variant interpretation guidelines (Richards et al. 2015 PMID: 25741868, with internal and published modifications).